The following is an entry in ClinVar:

ClinVar aggregate classification (germline): Uncertain significance (1 of 4 stars; one submission).

Conditions:
Early-infantile DEE. Also called: Early infantile epileptic encephalopathy; Early infantile epileptic encephalopathy with suppression bursts; Ohtahara syndrome. Identifiers: Orphanet 1934, MedGen C0393706, MONDO:0800491.

Submission:

Labcorp Genetics (formerly Invitae), Labcorp
Classification: Uncertain significance for Early-infantile DEE. Last evaluated: 2025-02-12. Review status: criteria provided, single submitter. Criteria: Invitae Variant Classification Sherloc (09022015). Collection method: clinical testing. Allele origin: germline.
Comment: This sequence change falls in intron 24 of the SPTAN1 gene. It does not directly change the encoded amino acid sequence of the SPTAN1 protein. It affects a nucleotide within the consensus splice site. This variant is not present in population databases (gnomAD no frequency). This variant has not been reported in the literature in individuals affected with SPTAN1-related conditions. Variants that disrupt the consensus splice site are a relatively common cause of aberrant splicing (PMID: 17576681, 9536098). Algorithms developed to predict the effect of sequence changes on RNA splicing suggest that this variant is not likely to affect RNA splicing. In summary, the available evidence is currently insufficient to determine the role of this variant in disease. Therefore, it has been classified as a Variant of Uncertain Significance.

Literature cited by the submitters: PubMed 17576681; PubMed 9536098.

NM_001130438.3(SPTAN1):c.3414+5G>A

Gene: SPTAN1 (spectrin alpha, non-erythrocytic 1; plus strand). Cytogenetic location: 9q34.11.
Variant type: single nucleotide variant.
Coding change: c.3414+5G>A on transcript NM_001130438.3 (MANE Select); 5 bases into the intron after coding-DNA position 3414, G replaced by A.
Molecular consequence: intron variant.
Genome position (GRCh38, 1-based): chr9:128,594,378, G>A. VCF-style: chr9-128594378-G-A. GRCh37 (hg19) VCF-style: chr9-131356657-G-A.
Other names: c.3450+5G>A (NM_001375318.1, NM_001375312.2, NM_001438440.1); c.3414+5G>A (NM_001375311.2, NM_001375310.1, NM_001363759.2 and 4 more transcripts); c.3354+5G>A (NM_001375314.2, NM_001363765.2, NM_001438442.1 and 3 more transcripts).
Identifiers: ClinVar variation 4736662 (VCV004736662.1).